The following is an entry in ClinVar:

ClinVar aggregate classification (germline): Pathogenic/Likely pathogenic. Review status: criteria provided, multiple submitters, no conflicts (2 of 4 stars). 2 submissions from 2 submitters: Pathogenic (1); Likely pathogenic (1). Last evaluated 2021-03-13.

Conditions:
Corneal dystrophy, Fuchs endothelial, 4 (FECD4). Identifiers: Orphanet 98974, MedGen C2750450, MONDO:0013204, OMIM 613268.
Corneal dystrophy-perceptive deafness syndrome (CDPD). Also called: CORNEAL DYSTROPHY AND SENSORINEURAL DEAFNESS; HARBOYAN SYNDROME. Identifiers: Orphanet 1490, MedGen C1857572, MONDO:0009015, OMIM 217400.
Congenital hereditary endothelial dystrophy of cornea. Also called: Congenital hereditary endothelial dystrophy of the cornea; Maumenee corneal dystrophy; CORNEAL DYSTROPHY, CONGENITAL HEREDITARY ENDOTHELIAL; Corneal endothelial dystrophy, autosomal recessive; Congenital hereditary endothelial dystrophy type II. Identifiers: Orphanet 293603, MedGen C1857569, MONDO:0009019, OMIM 217700.

Submissions (2):

Labcorp Genetics (formerly Invitae), Labcorp
Classification: Pathogenic. Last evaluated: 2021-03-13. Review status: criteria provided, single submitter. Criteria: Invitae Variant Classification Sherloc (09022015). Collection method: clinical testing. Allele origin: germline.
Comment: For these reasons, this variant has been classified as Pathogenic. This variant has not been reported in the literature in individuals with SLC4A11-related conditions. This variant is not present in population databases (ExAC no frequency). This sequence change creates a premature translational stop signal (p.Glu79*) in the SLC4A11 gene. It is expected to result in an absent or disrupted protein product. Loss-of-function variants in SLC4A11 are known to be pathogenic (PMID: 17220209, 17679935).

Juno Genomics, Hangzhou Juno Genomics, Inc
Classification: Likely pathogenic for Corneal dystrophy, Fuchs endothelial, 4; Corneal dystrophy-perceptive deafness syndrome; Congenital hereditary endothelial dystrophy of cornea. Review status: criteria provided, single submitter. Criteria: ACMG Guidelines, 2015. Collection method: clinical testing. Allele origin: germline.
Comment: Null variant in a gene where loss of function (LOF) is a known mechanism of disease.;Absent from controls (or at extremely low frequency if recessive) in Genome Aggregation Database.

Literature cited by the submitters: PubMed 17220209 (cited by Labcorp Genetics (formerly Invitae), Labcorp); PubMed 17679935 (cited by Labcorp Genetics (formerly Invitae), Labcorp).

NM_001174089.2(SLC4A11):c.187G>T (p.Glu63Ter)

Gene: SLC4A11 (solute carrier family 4 member 11; minus strand). Cytogenetic location: 20p13.
Variant type: single nucleotide variant.
Coding change: c.187G>T on transcript NM_001174089.2 (MANE Select); coding-DNA position 187, G replaced by T.
Protein change: p.Glu63Ter; replaces glutamic acid 63 with a stop codon.
Molecular consequence: nonsense. On other transcripts: non-coding transcript variant (1).
Genome position (GRCh38, 1-based): chr20:3,234,796, C>A on the plus strand (G>T on the coding strand, the complement: SLC4A11 is on the minus strand). VCF-style: chr20-3234796-C-A. GRCh37 (hg19) VCF-style: chr20-3215442-C-A.
Other names: c.187G>T, p.Glu63Ter (NM_001363745.2); c.235G>T, p.Glu79Ter (NM_032034.4); c.316G>T, p.Glu106Ter (NM_001174090.2); short protein forms E106*, E63*, E79*.
Identifiers: ClinVar variation 1442474 (VCV001442474.8), dbSNP rs750060652, ClinGen allele CA408096434.